The following is an entry in ClinVar:

NM_000092.5(COL4A4):c.4207delinsCC (p.Ser1403fs)

Gene: COL4A4 (collagen type IV alpha 4 chain; minus strand). Cytogenetic location: 2q36.3.
Variant type: Indel.
Coding change: c.4207delinsCC on transcript NM_000092.5 (MANE Select); coding-DNA position 4207, T replaced by CC.
Protein change: p.Ser1403fs; shifts the reading frame from serine 1403.
Molecular consequence: frameshift variant.
Genome position (GRCh38, 1-based): chr2:227,022,057, A replaced by GG on the plus strand (T replaced by CC on the coding strand, the reverse complement: COL4A4 is on the minus strand). VCF-style: chr2-227022057-A-GG. GRCh37 (hg19) VCF-style: chr2-227886773-A-GG.
Other names: short protein forms S1403fs.
Identifiers: ClinVar variation 5013300 (VCV005013300.1).
Genomic context (GRCh38, chr2:227,022,057, plus strand): 5'-ATTTCAGCAATATATCATGAAAATAATGAACAATCAGCATGCGGCTCATACCTGGTCCTG[A>GG]GGGGCCTCTCATTCCAGGGAGCCCCATGGCTCCTTCTGGTCCTCTCATGCCTGGCGCCCC-3'

ClinVar aggregate classification (germline): Pathogenic (1 of 4 stars; one submission).

Conditions:
Alport syndrome. Also called: Hemorrhagic familial nephritis; Hemorrhagic hereditary nephritis; Congenital hereditary hematuria. Identifiers: Orphanet 63, MedGen C1567741, MONDO:0018965.

Submission:

Myriad Genetics, Inc.
Classification: Pathogenic for Alport syndrome. Last evaluated: 2024-07-10. Review status: criteria provided, single submitter. Criteria: Myriad Autosomal Dominant, Autosomal Recessive and X-Linked Classification Criteria (2023). Collection method: clinical testing. Allele origin: unknown.
Comment: NM_000092.4(COL4A4):c.4207delTinsCC(S1403Pfs*30) is expected to be pathogenic in the context of Alport syndrome, COL4A4-related. This variant is predicted to lead to an abnormal or absent protein product due to the creation of a premature termination codon in COL4A4, a gene where loss-of-function variants are known to be pathogenic. Please note: this variant was assessed in the context of healthy population screening.